The following is an entry in ClinVar:

ClinVar aggregate classification (germline): Uncertain significance (1 of 4 stars; one submission).

Conditions:
Hereditary cancer-predisposing syndrome. Also called: Tumor predisposition; Neoplastic Syndromes, Hereditary; Hereditary Cancer Syndrome; Hereditary neoplastic syndrome. Identifiers: Orphanet 140162, MedGen C0027672, MeSH D009386, MONDO:0015356.

gnomAD v4.1: 1 of 1,608,542 alleles (0.000062%); highest among the groups gnomAD compares: East Asian, 0.0022%; no homozygotes.

Submission:

Ambry Genetics
Classification: Uncertain significance for Hereditary cancer-predisposing syndrome. Last evaluated: 2024-09-10. Review status: criteria provided, single submitter. Criteria: Ambry Variant Classification Scheme 2023. Collection method: clinical testing. Allele origin: germline.
Comment: The c.1140T>C variant (also known as p.S380S) is located in coding exon 7 of the BRIP1 gene. This variant results from a T to C substitution at nucleotide position 1140. This nucleotide substitution does not change the amino acid at codon 380. However, this change occurs in the last base pair of coding exon 7, which makes it likely to have some effect on normal mRNA splicing. This nucleotide position is well conserved in available vertebrate species. In silico splice site analysis predicts that this alteration will not have any significant effect on splicing. Based on the available evidence, the clinical significance of this variant remains unclear.

NM_032043.3(BRIP1):c.1140T>C (p.Ser380=)

Gene: BRIP1 (BRCA1 interacting DNA helicase 1; minus strand). Cytogenetic location: 17q23.2.
Variant type: single nucleotide variant.
Coding change: c.1140T>C on transcript NM_032043.3 (MANE Select); coding-DNA position 1140, T replaced by C.
Protein change: p.Ser380=; no amino-acid change (serine 380 retained).
Molecular consequence: synonymous variant.
Genome position (GRCh38, 1-based): chr17:61,801,253, A>G on the plus strand (T>C on the coding strand, the complement: BRIP1 is on the minus strand). VCF-style: chr17-61801253-A-G. GRCh37 (hg19) VCF-style: chr17-59878614-A-G.
Identifiers: ClinVar variation 3482444 (VCV003482444.1).
Genomic context (GRCh38, chr17:61,801,253, plus strand): 5'-ATTCAACATTTACATCTCCATGAGTAGGAAGAAGGTTCTCATTTTTACACATATACTCAC[A>G]CTTTCCCTTATTTGTGCATCTAGAAGATAGTTGTAGGGACAAAATATGATGTCAGCATCT-3'
Protein context (NP_114432.2, residues 370-390): NYLLDAQIRE[Ser380=]MDLNLKEQVV